The following is an entry in ClinVar:

NM_000146.4(FTL):c.12G>C (p.Gln4His)

Gene: FTL (ferritin light chain; plus strand). Cytogenetic location: 19q13.33.
Variant type: single nucleotide variant.
Coding change: c.12G>C on transcript NM_000146.4 (MANE Select); coding-DNA position 12, G replaced by C.
Protein change: p.Gln4His; replaces glutamine 4 with histidine.
Molecular consequence: missense variant.
Genome position (GRCh38, 1-based): chr19:48,965,519, G>C. VCF-style: chr19-48965519-G-C. GRCh37 (hg19) VCF-style: chr19-49468776-G-C.
Other names: short protein forms Q4H.
Identifiers: ClinVar variation 940706 (VCV000940706.10), dbSNP rs753168179, ClinGen allele CA9562402.
Genomic context (GRCh38, chr19:48,965,519, plus strand): 5'-GGACCTGCCAGCACCGTTTTTGTGGTTAGCTCCTTCTTGCCAACCAACCATGAGCTCCCA[G>C]ATTCGTCAGAATTATTCCACCGACGTGGAGGCAGCCGTCAACAGCCTGGTCAATTTGTAC-3'
Protein context (NP_000137.2, residues 1-14): MSS[Gln4His]IRQNYSTDVE

ClinVar aggregate classification (germline): Uncertain significance (1 of 4 stars; one submission).

Conditions:
Hereditary hyperferritinemia with congenital cataracts. Also called: Hereditary hyperferritinemia cataract syndrome; Bonneau-Beaumont syndrome; HYPERFERRITINEMIA WITH OR WITHOUT CATARACT. Identifiers: Orphanet 163, MedGen C1833213, MONDO:0010952, OMIM 600886.
Neuroferritinopathy (NBIA3). Also called: NEURODEGENERATION WITH BRAIN IRON ACCUMULATION 3; BASAL GANGLIA DISEASE, ADULT-ONSET. Identifiers: Orphanet 157846, MedGen C1853578, MONDO:0011638, OMIM 606159.

Allele frequency attached by ClinVar (database versions not stated): gnomAD exomes below 0.00001 and 0.00001; ExAC 0.00001.

Submission:

Labcorp Genetics (formerly Invitae), Labcorp
Classification: Uncertain significance for Neuroferritinopathy; Hereditary hyperferritinemia with congenital cataracts. Last evaluated: 2024-10-17. Review status: criteria provided, single submitter. Criteria: Invitae Variant Classification Sherloc (09022015). Collection method: clinical testing. Allele origin: germline.
Comment: This sequence change replaces glutamine, which is neutral and polar, with histidine, which is basic and polar, at codon 4 of the FTL protein (p.Gln4His). This variant is present in population databases (rs753168179, gnomAD 0.003%). This variant has not been reported in the literature in individuals affected with FTL-related conditions. ClinVar contains an entry for this variant (Variation ID: 940706). An algorithm developed to predict the effect of missense changes on protein structure and function (PolyPhen-2) suggests that this variant is likely to be tolerated. In summary, the available evidence is currently insufficient to determine the role of this variant in disease. Therefore, it has been classified as a Variant of Uncertain Significance.